The following is an entry in ClinVar:

NM_033305.3(VPS13A):c.9109C>T (p.Arg3037Ter)

Gene: VPS13A (vacuolar protein sorting 13 homolog A; plus strand). Cytogenetic location: 9q21.2.
Variant type: single nucleotide variant.
Coding change: c.9109C>T on transcript NM_033305.3 (MANE Select); coding-DNA position 9109, C replaced by T.
Protein change: p.Arg3037Ter; replaces arginine 3037 with a stop codon.
Molecular consequence: nonsense.
Genome position (GRCh38, 1-based): chr9:77,382,007, C>T. VCF-style: chr9-77382007-C-T. GRCh37 (hg19) VCF-style: chr9-79996923-C-T.
Other names: c.8992C>T, p.Arg2998Ter (NM_001018037.2); c.9109C>T, p.Arg3037Ter (NM_001018038.3, NM_015186.4); short protein forms R2998*, R3037*.
Identifiers: ClinVar variation 834822 (VCV000834822.20), dbSNP rs199807227, ClinGen allele CA5093874.

ClinVar aggregate classification (germline): Pathogenic. Review status: criteria provided, multiple submitters, no conflicts (2 of 4 stars). 6 submissions from 6 submitters: Pathogenic (5). 1 of the submissions does not count toward it. Last evaluated 2024-05-09.

Conditions:
VPS13A-related disorder. Also called: VPS13A-related condition.
VPS13A-related neurodegenerative disease. Also called: LEVINE-CRITCHLEY SYNDROME; Choreoacanthocytosis; ACANTHOCYTOSIS WITH NEUROLOGIC DISORDER; Choreaacanthocytosis; VPS13A Disease; Chorea-acanthocytosis. Identifiers: Orphanet 2388, MedGen C0393576, MONDO:0008695, OMIM 200150.

Allele frequency attached by ClinVar (database versions not stated): gnomAD exomes 0.00001 and 0.00002; ExAC 0.00002; gnomAD 0.00002 and 0.00003; TOPMed 0.00004; ESP Exome Variant Server 0.00008.
gnomAD v4.1: 25 of 1,606,284 alleles (0.0016%); highest among the groups gnomAD compares: African/African-American, 0.0094%; no homozygotes.

Submissions (6):

Natera, Inc.
Classification: Pathogenic for Choreaacanthocytosis. Last evaluated: 2024-05-09. Review status: criteria provided, single submitter. Criteria: Natera Variant Classification Schema (03/2026). Collection method: clinical testing. Allele origin: germline.
Comment: The c.9109C>T variant in VPS13A is a nonsense variant predicted to introduce a stop codon at amino acid 3037. This variant is expected to result in nonsense mediated decay, truncation, or a dysfunctional protein product. This variant is rare in the general population with a frequency below the threshold expected for the associated phenotype(s). This variant has been observed in one or more individuals affected with the associated recessive disease, as either homozygous or compound heterozygous with a second variant (PMID: 29913018, 21598378). Given the available evidence, this variant is classified as Pathogenic.

GeneDx
Classification: Pathogenic. Last evaluated: 2024-03-27. Review status: criteria provided, single submitter. Criteria: GeneDx Variant Classification Process June 2021. Collection method: clinical testing. Allele origin: germline. Affected: yes.
Comment: Nonsense variant predicted to result in protein truncation or nonsense mediated decay in a gene for which loss of function is a known mechanism of disease; Not observed at significant frequency in large population cohorts (gnomAD); This variant is associated with the following publications: (PMID: 25525159, 21598378, 32439941, 30713892, 11381253, 31345219, 12404112, 36825061, 27400454)

Labcorp Genetics (formerly Invitae), Labcorp
Classification: Pathogenic. Last evaluated: 2024-03-21. Review status: criteria provided, single submitter. Criteria: Invitae Variant Classification Sherloc (09022015). Collection method: clinical testing. Allele origin: germline.
Comment: This sequence change creates a premature translational stop signal (p.Arg3037*) in the VPS13A gene. It is expected to result in an absent or disrupted protein product. Loss-of-function variants in VPS13A are known to be pathogenic (PMID: 12404112, 21598378). This variant is present in population databases (rs199807227, gnomAD 0.008%). This premature translational stop signal has been observed in individual(s) with VPS13A-related conditions (PMID: 11381253, 21598378, 27400454). ClinVar contains an entry for this variant (Variation ID: 834822). For these reasons, this variant has been classified as Pathogenic.

Fulgent Genetics
Classification: Pathogenic for VPS13A-related neurodegenerative disease. Last evaluated: 2024-01-30. Review status: criteria provided, single submitter. Criteria: ACMG Guidelines, 2015. Collection method: clinical testing. Allele origin: germline.

Blueprint Genetics
Classification: Pathogenic for VPS13A-related disorders. Last evaluated: 2022-10-05. Review status: criteria provided, single submitter. Criteria: ACMG Guidelines, 2015. Collection method: clinical testing. Allele origin: germline. Affected: yes. Observed: 2 variant alleles.

Solve-RD Consortium
Classification: Likely pathogenic for VPS13A-related neurodegenerative disease. Last evaluated: 2022-06-01. Review status: no assertion criteria provided. Collection method: provider interpretation. Allele origin: inherited. Affected: yes. Not counted in ClinVar's aggregate classification.
Comment: Variant confirmed as disease-causing by referring clinical team

Variant identified during reanalysis of unsolved cases by the Solve-RD project. The Solve-RD project has received funding from the European Union’s Horizon 2020 research and innovation programme under grant agreement No 779257.

Literature cited by the submitters: PubMed 29913018 (cited by Natera, Inc.); PubMed 21598378 (cited by Natera, Inc. and Labcorp Genetics (formerly Invitae), Labcorp); PubMed 12404112 (cited by Labcorp Genetics (formerly Invitae), Labcorp); PubMed 11381253 (cited by Labcorp Genetics (formerly Invitae), Labcorp); PubMed 27400454 (cited by Labcorp Genetics (formerly Invitae), Labcorp); PubMed 39825153 (cited by Solve-RD Consortium).